The following is an entry in ClinVar:

NM_001062.4(TCN1):c.925G>A (p.Val309Ile)

Gene: TCN1 (transcobalamin 1; minus strand). Cytogenetic location: 11q12.1.
Variant type: single nucleotide variant.
Coding change: c.925G>A on transcript NM_001062.4 (MANE Select); coding-DNA position 925, G replaced by A.
Protein change: p.Val309Ile; replaces valine 309 with isoleucine.
Molecular consequence: missense variant.
Genome position (GRCh38, 1-based): chr11:59,855,881, C>T on the plus strand (G>A on the coding strand, the complement: TCN1 is on the minus strand). VCF-style: chr11-59855881-C-T. GRCh37 (hg19) VCF-style: chr11-59623354-C-T.
Other names: p.Val309Ile; short protein forms V309I.
Identifiers: ClinVar variation 786685 (VCV000786685.22), dbSNP rs72550758, ClinGen allele CA6021864.
Genomic context (GRCh38, chr11:59,855,881, plus strand): 5'-GGTGCTATGGTGAAAAGCGAAACAGTGTGCTCTCTTTAATGCTTATACCTGAAGCAGAGA[C>T]GCAAGAAGAGTCTTTGTTAATATCCAAGAAGGTCTTTCCCATCAGGGCAGGTAAGACCTG-3'
Protein context (NP_001053.2, residues 299-319): FLDINKDSSC[Val309Ile]SASGNFNISA

ClinVar aggregate classification (germline): Benign/Likely benign. Review status: criteria provided, multiple submitters, no conflicts (2 of 4 stars). 5 submissions from 5 submitters: Benign (1); Likely benign (3). 1 of the submissions does not count toward it. Last evaluated 2026-01-12.

Conditions:
Transcobalamin I deficiency (TCN1D). Also called: COBALAMIN PSEUDODEFICIENCY DUE TO TRANSCOBALAMIN DEFICIENCY; COBALAMIN R BINDER PROTEIN DEFICIENCY; TCN1 DEFICIENCY. Identifiers: Orphanet 2967, MedGen C0342700, MONDO:0008659, OMIM 193090.
TCN1-related disorder. Also called: TCN1-related condition.

Allele frequency attached by ClinVar (database versions not stated): 1000 Genomes Project 30x 0.00297; 1000 Genomes Project 0.00319; ExAC 0.00381; gnomAD 0.00536 and 0.00549; ESP Exome Variant Server 0.00554; TOPMed 0.00602.

Submissions (5):

Labcorp Genetics (formerly Invitae), Labcorp
Classification: Benign for Transcobalamin I deficiency. Last evaluated: 2026-01-12. Review status: criteria provided, single submitter. Criteria: Invitae Variant Classification Sherloc (09022015). Collection method: clinical testing. Allele origin: germline.

Mayo Clinic Laboratories, Mayo Clinic
Classification: Likely benign. Last evaluated: 2025-06-26. Review status: criteria provided, single submitter. Criteria: ACMG Guidelines, 2015. Collection method: clinical testing. Allele origin: germline. Observed: 2 variant alleles.
Comment: BS1, BP4_moderate

ARUP Laboratories, Molecular Genetics and Genomics, ARUP Laboratories
Classification: Likely benign. Last evaluated: 2021-11-26. Review status: criteria provided, single submitter. Criteria: ARUP Molecular Germline Variant Investigation Process 2021. Collection method: clinical testing. Allele origin: germline.

Breakthrough Genomics
Classification: Likely benign. Review status: criteria provided, single submitter. Criteria: ACMG Guidelines, 2015. Collection method: not provided. Allele origin: germline. Inheritance: Unknown mechanism. Affected: yes.

PreventionGenetics, part of Exact Sciences
Classification: Likely benign for TCN1-related condition. Last evaluated: 2024-01-17. Review status: no assertion criteria provided. Collection method: clinical testing. Allele origin: germline. Not counted in ClinVar's aggregate classification.
Comment: This variant is classified as likely benign based on ACMG/AMP sequence variant interpretation guidelines (Richards et al. 2015 PMID: 25741868, with internal and published modifications).